The following is an entry in ClinVar:

NM_015346.4(ZFYVE26):c.4490G>T (p.Cys1497Phe)

Gene: ZFYVE26 (zinc finger FYVE-type containing 26; minus strand). Cytogenetic location: 14q24.1.
Variant type: single nucleotide variant.
Coding change: c.4490G>T on transcript NM_015346.4 (MANE Select); coding-DNA position 4490, G replaced by T.
Protein change: p.Cys1497Phe; replaces cysteine 1497 with phenylalanine.
Molecular consequence: missense variant.
Genome position (GRCh38, 1-based): chr14:67,781,412, C>A on the plus strand (G>T on the coding strand, the complement: ZFYVE26 is on the minus strand). VCF-style: chr14-67781412-C-A. GRCh37 (hg19) VCF-style: chr14-68248129-C-A.
Other names: short protein forms C1497F.
Identifiers: ClinVar variation 3361599 (VCV003361599.1).

ClinVar aggregate classification (germline): Uncertain significance (1 of 4 stars; one submission).

Submission:

GeneDx
Classification: Uncertain significance. Last evaluated: 2023-07-28. Review status: criteria provided, single submitter. Criteria: GeneDx Variant Classification Process June 2021. Collection method: clinical testing. Allele origin: germline. Affected: yes.
Comment: Not observed at significant frequency in large population cohorts (gnomAD); In silico analysis supports that this missense variant has a deleterious effect on protein structure/function; Has not been previously published as pathogenic or benign to our knowledge